The following is an entry in ClinVar:

NM_017780.4(CHD7):c.2905A>G (p.Arg969Gly)

Gene: CHD7 (chromodomain helicase DNA binding protein 7; plus strand). Cytogenetic location: 8q12.2.
Variant type: single nucleotide variant.
Coding change: c.2905A>G on transcript NM_017780.4 (MANE Select); coding-DNA position 2905, A replaced by G.
Protein change: p.Arg969Gly; replaces arginine 969 with glycine.
Molecular consequence: missense variant. On other transcripts: intron variant (1).
Genome position (GRCh38, 1-based): chr8:60,822,093, A>G. VCF-style: chr8-60822093-A-G. GRCh37 (hg19) VCF-style: chr8-61734652-A-G.
Other names: c.1717-40136A>G (NM_001316690.1); short protein forms R969G.
Identifiers: ClinVar variation 529116 (VCV000529116.8), dbSNP rs1554597501, ClinGen allele CA371308470.

ClinVar aggregate classification (germline): Uncertain significance (1 of 4 stars; one submission).

Conditions:
CHARGE syndrome (CHARGE). Also called: Hittner Hirsch Kreh syndrome; Coloboma, heart anomaly, choanal atresia, retardation, genital and ear anomalies; CHARGE association; Hall-Hittner syndrome; CHARGE ASSOCIATION--COLOBOMA, HEART ANOMALY, CHOANAL ATRESIA, RETARDATION, GENITAL AND EAR ANOMALIES. Identifiers: Orphanet 138, MedGen C0265354, MONDO:0008965.

Submission:

Labcorp Genetics (formerly Invitae), Labcorp
Classification: Uncertain significance for CHARGE syndrome. Last evaluated: 2017-09-24. Review status: criteria provided, single submitter. Criteria: Invitae Variant Classification Sherloc (09022015). Collection method: clinical testing. Allele origin: germline.
Comment: This sequence change replaces arginine with glycine at codon 969 of the CHD7 protein (p.Arg969Gly). The arginine residue is highly conserved and there is a moderate physicochemical difference between arginine and glycine. This variant is not present in population databases (ExAC no frequency). This variant has not been reported in the literature in individuals with CHD7-related disease. Algorithms developed to predict the effect of missense changes on protein structure and function (SIFT, PolyPhen-2, Align-GVGD) all suggest that this variant is likely to be disruptive, but these predictions have not been confirmed by published functional studies and their clinical significance is uncertain. In summary, the available evidence is currently insufficient to determine the role of this variant in disease. Therefore, it has been classified as a Variant of Uncertain Significance.